The following is an entry in ClinVar:

NM_001378183.1(PIEZO2):c.5999+16A>G

Gene: PIEZO2 (piezo type mechanosensitive ion channel component 2; minus strand). Cytogenetic location: 18p11.22.
Variant type: single nucleotide variant.
Coding change: c.5999+16A>G on transcript NM_001378183.1 (MANE Select); 16 bases into the intron after coding-DNA position 5999, A replaced by G.
Molecular consequence: intron variant.
Genome position (GRCh38, 1-based): chr18:10,705,320, T>C on the plus strand (A>G on the coding strand, the complement: PIEZO2 is on the minus strand). VCF-style: chr18-10705320-T-C. GRCh37 (hg19) VCF-style: chr18-10705318-T-C.
Other names: c.5660+16A>G (NM_022068.4); c.5735+16A>G (NM_001410871.1).
Identifiers: ClinVar variation 4525804 (VCV004525804.1).

ClinVar aggregate classification (germline): Likely benign (1 of 4 stars; one submission).

Submission:

Women's Health and Genetics/Laboratory Corporation of America, LabCorp
Classification: Likely benign. Last evaluated: 2025-07-17. Review status: criteria provided, single submitter. Criteria: LabCorp Variant Classification Summary - May 2015. Collection method: clinical testing. Allele origin: germline.
Comment: Variant summary: PIEZO2 c.5660+16A>G alters a nucleotide located at a position not widely known to affect splicing. Consensus agreement among computation tools predict no significant impact on normal splicing. However, these predictions have yet to be confirmed by functional studies. The variant was absent in 1522576 control chromosomes. The available data on variant occurrences in the general population are insufficient to allow any conclusion about variant significance. To our knowledge, no occurrence of c.5660+16A>G in individuals affected with Arthrogryposis, distal, with impaired proprioception and touch and no experimental evidence demonstrating its impact on protein function have been reported. No submitters have cited clinical-significance assessments for this variant to ClinVar. Based on the evidence outlined above, the variant was classified as likely benign.